The following is an entry in ClinVar:

NM_013382.7(POMT2):c.2086C>A (p.Pro696Thr)

Gene: POMT2 (protein O-mannosyltransferase 2; minus strand). Cytogenetic location: 14q24.3.
Variant type: single nucleotide variant.
Coding change: c.2086C>A on transcript NM_013382.7 (MANE Select); coding-DNA position 2086, C replaced by A.
Protein change: p.Pro696Thr; replaces proline 696 with threonine.
Molecular consequence: missense variant.
Genome position (GRCh38, 1-based): chr14:77,278,455, G>T on the plus strand (C>A on the coding strand, the complement: POMT2 is on the minus strand). VCF-style: chr14-77278455-G-T. GRCh37 (hg19) VCF-style: chr14-77744798-G-T.
Other names: short protein forms P696T.
Identifiers: ClinVar variation 283989 (VCV000283989.16), dbSNP rs76700503, ClinGen allele CA7285549.

ClinVar aggregate classification (germline): Uncertain significance. Review status: criteria provided, multiple submitters, no conflicts (2 of 4 stars). 4 submissions from 4 submitters: Uncertain significance (4). Last evaluated 2024-05-14.

Conditions:
Muscular dystrophy-dystroglycanopathy (congenital with brain and eye anomalies), type A2. Also called: WALKER-WARBURG SYNDROME OR MUSCLE-EYE-BRAIN DISEASE, POMT2-RELATED; MUSCULAR DYSTROPHY-DYSTROGLYCANOPATHY (CONGENITAL WITH BRAIN AND EYE ANOMALIES), TYPE A, 2. Identifiers: Orphanet 588, Orphanet 899, MedGen C3150411, MONDO:0013154, OMIM 613150.
Muscular dystrophy-dystroglycanopathy (congenital with impaired intellectual development), type B, 2. Also called: Muscular dystrophy-dystroglycanopathy (congenital with intellectual disability), type B2; MUSCULAR DYSTROPHY, CONGENITAL, POMT2-RELATED. Identifiers: MedGen C3150416, MONDO:0013160, OMIM 613156.
Autosomal recessive limb-girdle muscular dystrophy type 2N. Also called: MUSCULAR DYSTROPHY-DYSTROGLYCANOPATHY, LIMB-GIRDLE, POMT2-RELATED; Muscular dystrophy-dystroglycanopathy (limb-girdle), type C, 2. Identifiers: Orphanet 206559, MedGen C3150418, MONDO:0013162, OMIM 613158.

Allele frequency attached by ClinVar (database versions not stated): ESP Exome Variant Server 0.00023; 1000 Genomes Project 30x 0.00078; gnomAD 0.00041; TOPMed 0.00038; 1000 Genomes Project 0.00080.
gnomAD v4.1: 99 of 1,505,880 alleles (0.0066%); highest among the groups gnomAD compares: African/African-American, 0.13%; no homozygotes.

Submissions (4):

Revvity Omics, Revvity
Classification: Uncertain significance. Last evaluated: 2024-05-14. Review status: criteria provided, single submitter. Criteria: ACMG Guidelines, 2015. Collection method: clinical testing. Allele origin: germline.

Labcorp Genetics (formerly Invitae), Labcorp
Classification: Uncertain significance for Muscular dystrophy-dystroglycanopathy (congenital with impaired intellectual development), type B, 2; Muscular dystrophy-dystroglycanopathy (congenital with brain and eye anomalies), type A2; Autosomal recessive limb-girdle muscular dystrophy type 2N. Last evaluated: 2022-08-09. Review status: criteria provided, single submitter. Criteria: Invitae Variant Classification Sherloc (09022015). Collection method: clinical testing. Allele origin: germline.
Comment: This sequence change replaces proline, which is neutral and non-polar, with threonine, which is neutral and polar, at codon 696 of the POMT2 protein (p.Pro696Thr). This variant is present in population databases (rs76700503, gnomAD 0.1%). This variant has not been reported in the literature in individuals affected with POMT2-related conditions. ClinVar contains an entry for this variant (Variation ID: 283989). Algorithms developed to predict the effect of missense changes on protein structure and function (SIFT, PolyPhen-2, Align-GVGD) all suggest that this variant is likely to be tolerated. In summary, the available evidence is currently insufficient to determine the role of this variant in disease. Therefore, it has been classified as a Variant of Uncertain Significance.

GeneDx
Classification: Uncertain significance. Last evaluated: 2020-01-08. Review status: criteria provided, single submitter. Criteria: GeneDx Variant Classification Process June 2021. Collection method: clinical testing. Allele origin: germline. Affected: yes.
Comment: In silico analysis, which includes protein predictors and evolutionary conservation, supports that this variant does not alter protein structure/function; Has not been previously published as pathogenic or benign to our knowledge

Eurofins Ntd Llc (ga)
Classification: Uncertain significance. Last evaluated: 2015-10-13. Review status: criteria provided, single submitter. Criteria: EGL Classification Definitions 2015. Collection method: clinical testing. Allele origin: germline. Observed: 2 variant alleles, 2 heterozygotes.